The following is an entry in ClinVar:

ClinVar aggregate classification (germline): Uncertain significance (1 of 4 stars; one submission).

gnomAD v4.1: 3 of 1,613,106 alleles (0.00019%); highest among the groups gnomAD compares: Non-Finnish European, 0.00025%; no homozygotes.

Submission:

Labcorp Genetics (formerly Invitae), Labcorp
Classification: Uncertain significance. Last evaluated: 2025-04-11. Review status: criteria provided, single submitter. Criteria: Invitae Variant Classification Sherloc (09022015). Collection method: clinical testing. Allele origin: germline.
Comment: This sequence change falls in intron 25 of the CACNA1E gene. It does not directly change the encoded amino acid sequence of the CACNA1E protein. It affects a nucleotide within the consensus splice site. This variant is present in population databases (no rsID available, gnomAD 0.0009%). This variant has not been reported in the literature in individuals affected with CACNA1E-related conditions. Variants that disrupt the consensus splice site are a relatively common cause of aberrant splicing (PMID: 17576681, 9536098). Algorithms developed to predict the effect of sequence changes on RNA splicing suggest that this variant is not likely to affect RNA splicing. In summary, the available evidence is currently insufficient to determine the role of this variant in disease. Therefore, it has been classified as a Variant of Uncertain Significance.

Literature cited by the submitters: PubMed 17576681; PubMed 9536098.

NM_001205293.3(CACNA1E):c.3720-3T>C

Gene: CACNA1E (calcium voltage-gated channel subunit alpha1 E; plus strand). Cytogenetic location: 1q25.3.
Variant type: single nucleotide variant.
Coding change: c.3720-3T>C on transcript NM_001205293.3 (MANE Select); 3 bases into the intron before coding-DNA position 3720, T replaced by C.
Molecular consequence: intron variant.
Genome position (GRCh38, 1-based): chr1:181,750,473, T>C. VCF-style: chr1-181750473-T-C. GRCh37 (hg19) VCF-style: chr1-181719609-T-C.
Other names: c.3720-3T>C (NM_000721.4); c.3663-3T>C (NM_001205294.2).
Identifiers: ClinVar variation 4773821 (VCV004773821.1).
Genomic context (GRCh38, chr1:181,750,473, plus strand): 5'-ACCCCATTTTTTTGTTTTGTTTTATTTTGATTTTCTACTGCTCTCTGATTGGATCCTCCA[T>C]AGGAACGCTTTGGGGTAAATATGTTCGATTATCTTTGAAGTAAACGATACAAGGAATGAG-3'